The following is an entry in ClinVar:

NM_013328.4(PYCR2):c.559G>A (p.Ala187Thr)

Gene: PYCR2 (pyrroline-5-carboxylate reductase 2; minus strand). Cytogenetic location: 1q42.12.
Variant type: single nucleotide variant.
Coding change: c.559G>A on transcript NM_013328.4 (MANE Select); coding-DNA position 559, G replaced by A.
Protein change: p.Ala187Thr; replaces alanine 187 with threonine.
Molecular consequence: missense variant.
Genome position (GRCh38, 1-based): chr1:225,921,626, C>T on the plus strand (G>A on the coding strand, the complement: PYCR2 is on the minus strand). VCF-style: chr1-225921626-C-T. GRCh37 (hg19) VCF-style: chr1-226109326-C-T.
Other names: c.337G>A, p.Ala113Thr (NM_001271681.2); short protein forms A113T, A187T.
Identifiers: ClinVar variation 1916025 (VCV001916025.6), dbSNP rs762648707, ClinGen allele CA1420172.

ClinVar aggregate classification (germline): Uncertain significance. Review status: criteria provided, multiple submitters, no conflicts (2 of 4 stars). 2 submissions from 2 submitters: Uncertain significance (2). Last evaluated 2023-12-11.

Conditions:
Leukodystrophy, hypomyelinating, 10. Also called: PYCR2-related microcephaly-progressive leukoencephalopathy. Identifiers: Orphanet 481152, MedGen C4225332, MONDO:0014632, OMIM 616420.

Allele frequency attached by ClinVar (database versions not stated): ExAC 0.00001.

Submissions (2):

Labcorp Genetics (formerly Invitae), Labcorp
Classification: Uncertain significance. Last evaluated: 2023-12-11. Review status: criteria provided, single submitter. Criteria: Invitae Variant Classification Sherloc (09022015). Collection method: clinical testing. Allele origin: germline.
Comment: This sequence change replaces alanine, which is neutral and non-polar, with threonine, which is neutral and polar, at codon 187 of the PYCR2 protein (p.Ala187Thr). This variant is present in population databases (rs762648707, gnomAD 0.003%). This variant has not been reported in the literature in individuals affected with PYCR2-related conditions. ClinVar contains an entry for this variant (Variation ID: 1916025). Advanced modeling of protein sequence and biophysical properties (such as structural, functional, and spatial information, amino acid conservation, physicochemical variation, residue mobility, and thermodynamic stability) has been performed at Invitae for this missense variant, however the output from this modeling did not meet the statistical confidence thresholds required to predict the impact of this variant on PYCR2 protein function. In summary, the available evidence is currently insufficient to determine the role of this variant in disease. Therefore, it has been classified as a Variant of Uncertain Significance.

Suma Genomics
Classification: Uncertain significance for Leukodystrophy, hypomyelinating, 10. Review status: criteria provided, single submitter. Criteria: ACMG Guidelines, 2015. Collection method: clinical testing. Allele origin: inherited. Inheritance: Autosomal recessive inheritance. Affected: yes.